The following is an entry in ClinVar:

ClinVar aggregate classification (germline): Uncertain significance (1 of 4 stars; one submission).

Allele frequency attached by ClinVar (database versions not stated): gnomAD exomes below 0.00001; ExAC 0.00001; gnomAD 0.00001; TOPMed 0.00001.
gnomAD v4.1: 6 of 1,613,650 alleles (0.00037%); highest among the groups gnomAD compares: Non-Finnish European, 0.00034%; no homozygotes.

Submission:

Labcorp Genetics (formerly Invitae), Labcorp
Classification: Uncertain significance. Last evaluated: 2022-02-06. Review status: criteria provided, single submitter. Criteria: Invitae Variant Classification Sherloc (09022015). Collection method: clinical testing. Allele origin: germline.
Comment: This variant is present in population databases (rs752983478, gnomAD no frequency). In summary, the available evidence is currently insufficient to determine the role of this variant in disease. Therefore, it has been classified as a Variant of Uncertain Significance. Algorithms developed to predict the effect of missense changes on protein structure and function output the following: SIFT: "Tolerated"; PolyPhen-2: "Benign"; Align-GVGD: "Class C0". The proline amino acid residue is found in multiple mammalian species, which suggests that this missense change does not adversely affect protein function. This variant has not been reported in the literature in individuals affected with SLC24A5-related conditions. This sequence change replaces serine, which is neutral and polar, with proline, which is neutral and non-polar, at codon 28 of the SLC24A5 protein (p.Ser28Pro).

NM_205850.3(SLC24A5):c.82T>C (p.Ser28Pro)

Gene: SLC24A5 (solute carrier family 24 member 5; plus strand). Cytogenetic location: 15q21.1.
Variant type: single nucleotide variant.
Coding change: c.82T>C on transcript NM_205850.3 (MANE Select); coding-DNA position 82, T replaced by C.
Protein change: p.Ser28Pro; replaces serine 28 with proline.
Molecular consequence: missense variant.
Genome position (GRCh38, 1-based): chr15:48,121,126, T>C. VCF-style: chr15-48121126-T-C. GRCh37 (hg19) VCF-style: chr15-48413323-T-C.
Other names: short protein forms S28P.
Identifiers: ClinVar variation 2094087 (VCV002094087.4), dbSNP rs752983478, ClinGen allele CA7545745.